The following is an entry in ClinVar:

NM_000041.4(APOE):c.167G>A (p.Arg56His)

Gene: APOE (apolipoprotein E; plus strand). Cytogenetic location: 19q13.32.
Variant type: single nucleotide variant.
Coding change: c.167G>A on transcript NM_000041.4 (MANE Select); coding-DNA position 167, G replaced by A.
Protein change: p.Arg56His; replaces arginine 56 with histidine.
Molecular consequence: missense variant.
Genome position (GRCh38, 1-based): chr19:44,907,883, G>A. VCF-style: chr19-44907883-G-A. GRCh37 (hg19) VCF-style: chr19-45411140-G-A.
Other names: c.245G>A, p.Arg82His (NM_001302688.2); c.167G>A, p.Arg56His (NM_001302689.2, NM_001302690.2, NM_001302691.2); short protein forms R56H, R82H.
Identifiers: ClinVar variation 1320334 (VCV001320334.5), dbSNP rs752790054, ClinGen allele CA9505994.
Genomic context (GRCh38, chr19:44,907,883, plus strand): 5'-CCGAGTGGCAGAGCGGCCAGCGCTGGGAACTGGCACTGGGTCGCTTTTGGGATTACCTGC[G>A]CTGGGTGCAGACACTGTCTGAGCAGGTGCAGGAGGAGCTGCTCAGCTCCCAGGTCACCCA-3'
Protein context (NP_000032.1, residues 46-66): LALGRFWDYL[Arg56His]WVQTLSEQVQ

ClinVar aggregate classification (germline): Uncertain significance. Review status: criteria provided, multiple submitters, no conflicts (2 of 4 stars). 2 submissions from 2 submitters: Uncertain significance (2). Last evaluated 2022-04-19.

Conditions:
Cardiovascular phenotype. Identifiers: MedGen CN230736.

Allele frequency attached by ClinVar (database versions not stated): gnomAD 0.00001; gnomAD exomes 0.00001; ExAC 0.00002.

Submissions (2):

Ambry Genetics
Classification: Uncertain significance for Cardiovascular phenotype. Last evaluated: 2022-04-19. Review status: criteria provided, single submitter. Criteria: Ambry Variant Classification Scheme 2023. Collection method: clinical testing. Allele origin: germline.
Comment: The p.R56H variant (also known as c.167G>A), located in coding exon 2 of the APOE gene, results from a G to A substitution at nucleotide position 167. The arginine at codon 56 is replaced by histidine, an amino acid with highly similar properties. This amino acid position is conserved. In addition, this alteration is predicted to be tolerated by in silico analysis. Since supporting evidence is limited at this time, the clinical significance of this alteration remains unclear.

GeneDx
Classification: Uncertain significance. Last evaluated: 2019-07-24. Review status: criteria provided, single submitter. Criteria: GeneDx Variant Classification Process June 2021. Collection method: clinical testing. Allele origin: germline. Affected: yes.
Comment: In silico analysis, which includes protein predictors and evolutionary conservation, supports that this variant does not alter protein structure/function; Has not been previously published as pathogenic or benign to our knowledge